The following is an entry in ClinVar:

NM_152703.5(SAMD9L):c.2911C>G (p.Leu971Val)

Gene: SAMD9L (sterile alpha motif domain containing 9 like; minus strand). Cytogenetic location: 7q21.2.
Variant type: single nucleotide variant.
Coding change: c.2911C>G on transcript NM_152703.5 (MANE Select); coding-DNA position 2911, C replaced by G.
Protein change: p.Leu971Val; replaces leucine 971 with valine.
Molecular consequence: missense variant.
Genome position (GRCh38, 1-based): chr7:93,133,061, G>C on the plus strand (C>G on the coding strand, the complement: SAMD9L is on the minus strand). VCF-style: chr7-93133061-G-C. GRCh37 (hg19) VCF-style: chr7-92762374-G-C.
Other names: c.2911C>G, p.Leu971Val (NM_001303496.3, NM_001303497.3, NM_001303498.3 and 5 more transcripts); short protein forms L971V.
Identifiers: ClinVar variation 4842045 (VCV004842045.1).

ClinVar aggregate classification (germline): Uncertain significance (1 of 4 stars; one submission).

Conditions:
Inborn genetic diseases. Identifiers: MedGen C0950123, MeSH D030342.

Submission:

Ambry Genetics
Classification: Uncertain significance for Inborn genetic diseases. Last evaluated: 2026-01-14. Review status: criteria provided, single submitter. Criteria: Ambry Variant Classification Scheme 2023. Collection method: clinical testing. Allele origin: germline.
Comment: The p.L971V variant (also known as c.2911C>G), located in coding exon 1 of the SAMD9L gene, results from a C to G substitution at nucleotide position 2911. The leucine at codon 971 is replaced by valine, an amino acid with highly similar properties. This amino acid position is conserved. In addition, this alteration is predicted to be tolerated by in silico analysis. Based on the available evidence, the clinical significance of this variant remains unclear.